The following is an entry in ClinVar:

ClinVar aggregate classification (germline): Likely benign (0 of 4 stars; one submission).

Conditions:
SLC11A2-related disorder. Also called: SLC11A2-related condition.

Allele frequency attached by ClinVar (database versions not stated): gnomAD 0.00001; TOPMed 0.00002; gnomAD exomes 0.00019; ExAC 0.00039.
gnomAD v4.1: 252 of 1,523,920 alleles (0.017%); highest among the groups gnomAD compares: South Asian, 0.28%; 3 homozygotes.

Submission:

PreventionGenetics, part of Exact Sciences
Classification: Likely benign for SLC11A2-related condition. Last evaluated: 2020-12-02. Review status: no assertion criteria provided. Collection method: clinical testing. Allele origin: germline.
Comment: This variant is classified as likely benign based on ACMG/AMP sequence variant interpretation guidelines (Richards et al. 2015 PMID: 25741868, with internal and published modifications).

NM_000617.3(SLC11A2):c.34+5T>C

Gene: SLC11A2 (solute carrier family 11 member 2; minus strand). Cytogenetic location: 12q13.12.
Variant type: single nucleotide variant.
Coding change: c.34+5T>C on transcript NM_000617.3 (MANE Select); 5 bases into the intron after coding-DNA position 34, T replaced by C.
Molecular consequence: intron variant.
Genome position (GRCh38, 1-based): chr12:51,010,690, A>G on the plus strand (T>C on the coding strand, the complement: SLC11A2 is on the minus strand). VCF-style: chr12-51010690-A-G. GRCh37 (hg19) VCF-style: chr12-51404473-A-G.
Other names: c.121+5T>C (NM_001379446.1, NM_001379455.1, NM_001174125.2); c.3+5T>C (NM_001414747.1, NM_001414748.1); c.34+5T>C (NM_001174127.2, NM_001414744.1, NM_001174126.2 and 5 more transcripts).
Identifiers: ClinVar variation 3057454 (VCV003057454.2), dbSNP rs770325519, ClinGen allele CA6566909.